The following is an entry in ClinVar:

NM_000553.6(WRN):c.1706C>T (p.Ala569Val)

Gene: WRN (WRN RecQ like helicase; plus strand). Cytogenetic location: 8p12.
Variant type: single nucleotide variant.
Coding change: c.1706C>T on transcript NM_000553.6 (MANE Select); coding-DNA position 1706, C replaced by T.
Protein change: p.Ala569Val; replaces alanine 569 with valine.
Molecular consequence: missense variant.
Genome position (GRCh38, 1-based): chr8:31,090,518, C>T. VCF-style: chr8-31090518-C-T. GRCh37 (hg19) VCF-style: chr8-30948034-C-T.
Other names: short protein forms A569V.
Identifiers: ClinVar variation 1722234 (VCV001722234.5), dbSNP rs959745521, ClinGen allele CA174865335.

ClinVar aggregate classification (germline): Uncertain significance (1 of 4 stars; one submission).

Conditions:
Werner syndrome (WRN). Identifiers: Orphanet 902, MedGen C0043119, MONDO:0010196, OMIM 277700.

Submission:

Labcorp Genetics (formerly Invitae), Labcorp
Classification: Uncertain significance for Werner syndrome. Last evaluated: 2022-10-27. Review status: criteria provided, single submitter. Criteria: Invitae Variant Classification Sherloc (09022015). Collection method: clinical testing. Allele origin: germline.
Comment: This variant has not been reported in the literature in individuals affected with WRN-related conditions. This variant is not present in population databases (gnomAD no frequency). This sequence change replaces alanine, which is neutral and non-polar, with valine, which is neutral and non-polar, at codon 569 of the WRN protein (p.Ala569Val). In summary, the available evidence is currently insufficient to determine the role of this variant in disease. Therefore, it has been classified as a Variant of Uncertain Significance. Algorithms developed to predict the effect of missense changes on protein structure and function output the following: SIFT: "Not Available"; PolyPhen-2: "Benign"; Align-GVGD: "Not Available". The valine amino acid residue is found in multiple mammalian species, which suggests that this missense change does not adversely affect protein function.